The following is an entry in ClinVar:

NM_001252102.2(KIF21B):c.2454+1G>T

Gene: KIF21B (kinesin family member 21B; minus strand). Cytogenetic location: 1q32.1.
Variant type: single nucleotide variant.
Coding change: c.2454+1G>T on transcript NM_001252102.2 (MANE Select); the canonical splice donor site of the intron after coding-DNA position 2454, G replaced by T.
Molecular consequence: splice donor variant.
Genome position (GRCh38, 1-based): chr1:200,991,656, C>A on the plus strand (G>T on the coding strand, the complement: KIF21B is on the minus strand). VCF-style: chr1-200991656-C-A. GRCh37 (hg19) VCF-style: chr1-200960784-C-A.
Other names: c.2454+1G>T (NM_001252103.2, NM_017596.4, NM_001252100.2).
Identifiers: ClinVar variation 4795661 (VCV004795661.1).

ClinVar aggregate classification (germline): Uncertain significance (1 of 4 stars; one submission).

Submission:

GeneDx
Classification: Uncertain significance. Last evaluated: 2025-08-15. Review status: criteria provided, single submitter. Criteria: GeneDx Variant Classification Process June 2021. Collection method: clinical testing. Allele origin: germline. Affected: yes.
Comment: Canonical splice site variant with an unclear effect on protein function; Not observed at significant frequency in large population cohorts (gnomAD); Has not been previously published as pathogenic or benign to our knowledge